The following is an entry in ClinVar:

ClinVar aggregate classification (germline): Uncertain significance (1 of 4 stars; one submission).

Conditions:
SYNCRIP-related disorder. Also called: SYNCRIP-related condition.

Allele frequency attached by ClinVar (database versions not stated): gnomAD exomes below 0.00001.
gnomAD v4.1: 1 of 1,591,828 alleles (0.000063%); highest among the groups gnomAD compares: Non-Finnish European, 0.000085%; no homozygotes.

Submission:

PreventionGenetics, part of Exact Sciences
Classification: Uncertain significance for SYNCRIP-related condition. Last evaluated: 2023-04-11. Review status: criteria provided, single submitter. Criteria: ACMG Guidelines, 2015. Collection method: clinical testing. Allele origin: germline.
Comment: The SYNCRIP c.1864T>C variant is predicted to result in the amino acid substitution p.Trp622Arg. To our knowledge, this variant has not been reported in the literature or in a large population database, indicating this variant is rare. At this time, the clinical significance of this variant is uncertain due to the absence of conclusive functional and genetic evidence.

NM_006372.5(SYNCRIP):c.1864T>C (p.Trp622Arg)

Gene: SYNCRIP (synaptotagmin binding cytoplasmic RNA interacting protein; minus strand). Cytogenetic location: 6q14.3.
Variant type: single nucleotide variant.
Coding change: c.1864T>C on transcript NM_006372.5 (MANE Select); coding-DNA position 1864, T replaced by C.
Protein change: p.Trp622Arg; replaces tryptophan 622 with arginine.
Molecular consequence: missense variant. On other transcripts: intron variant (10).
Genome position (GRCh38, 1-based): chr6:85,614,764, A>G on the plus strand (T>C on the coding strand, the complement: SYNCRIP is on the minus strand). VCF-style: chr6-85614764-A-G. GRCh37 (hg19) VCF-style: chr6-86324482-A-G.
Other names: c.1759T>C, p.Trp587Arg (NM_001159675.2); c.1570T>C, p.Trp524Arg (NM_001410938.1); c.1647+217T>C (NM_001439160.1, NM_001159676.2, NM_001159677.2); c.1789+75T>C (NM_001439161.1, NM_001439162.1, NM_001439158.1); c.1191+217T>C (NM_001253771.2); c.1353+217T>C (NM_001159673.2); c.1495+75T>C (NM_001439159.1); c.1542+217T>C (NM_001159674.2); short protein forms W524R, W587R, W622R.
Identifiers: ClinVar variation 2631938 (VCV002631938.1), dbSNP rs2537715397, ClinGen allele CA364897635.
Genomic context (GRCh38, chr6:85,614,764, plus strand): 5'-TGAGTTTCTGATCAACCTATCAGTCTCCAATTTTACAGAGGCCCTACTGTTTCTACTTCC[A>G]CTGTTGCCCAAAAGTATCCTGATAAAACTCCTGGTTTTCAGATTTGTAACCATAGTTACC-3'
Protein context (NP_006363.4, residues 612-623): EFYQDTFGQQ[Trp622Arg]K